The following is an entry in ClinVar:

NM_212552.3(BOLA3):c.137G>A (p.Arg46Gln)

Gene: BOLA3 (bolA family member 3; minus strand). Cytogenetic location: 2p13.1.
Variant type: single nucleotide variant.
Coding change: c.137G>A on transcript NM_212552.3 (MANE Select); coding-DNA position 137, G replaced by A.
Protein change: p.Arg46Gln; replaces arginine 46 with glutamine.
Molecular consequence: missense variant.
Genome position (GRCh38, 1-based): chr2:74,145,221, C>T on the plus strand (G>A on the coding strand, the complement: BOLA3 is on the minus strand). VCF-style: chr2-74145221-C-T. GRCh37 (hg19) VCF-style: chr2-74372348-C-T.
Other names: p.Arg46Gln; c.137G>A, p.Arg46Gln (NM_001035505.2); short protein forms R46Q.
Identifiers: ClinVar variation 337058 (VCV000337058.17), dbSNP rs144366005, ClinGen allele CA1719496.
Genomic context (GRCh38, chr2:74,145,221, plus strand): 5'-GCCGTAGGAAGAGTGAGAGAAACCTTACCTGAAATGTCAGTGACTTTTATAGCTGTAGCT[C>T]GTGGAAACTTTTCTTTGAGAATTTGGGTCACTCTGAGCTCCCCCTCAGTCTGAGTGGCAA-3'
Protein context (NP_997717.2, residues 36-56): VTQILKEKFP[Arg46Gln]ATAIKVTDIS

ClinVar aggregate classification (germline): Conflicting classifications of pathogenicity. Review status: criteria provided, conflicting classifications (1 of 4 stars). 5 submissions from 5 submitters: Uncertain significance (3); Likely benign (1). 1 of the submissions does not count toward it. Last evaluated 2026-01-06.

Conditions:
BOLA3-related disorder. Also called: BOLA3-related condition.
Multiple mitochondrial dysfunctions syndrome 2 (MMDS2). Also called: MULTIPLE MITOCHONDRIAL DYSFUNCTIONS SYNDROME 2 WITH HYPERGLYCINEMIA. Identifiers: Orphanet 401874, MedGen C3280378, MONDO:0013675, OMIM 614299.

Allele frequency attached by ClinVar (database versions not stated): gnomAD exomes 0.00021 and 0.00036; gnomAD 0.00022 and 0.00023; TOPMed 0.00022; ESP Exome Variant Server 0.00031; ExAC 0.00034.

Submissions (5):

Labcorp Genetics (formerly Invitae), Labcorp
Classification: Likely benign. Last evaluated: 2026-01-06. Review status: criteria provided, single submitter. Criteria: Invitae Variant Classification Sherloc (09022015). Collection method: clinical testing. Allele origin: germline.

GeneDx
Classification: Uncertain significance. Last evaluated: 2025-11-02. Review status: criteria provided, single submitter. Criteria: GeneDx Variant Classification Process June 2021. Collection method: clinical testing. Allele origin: germline. Affected: yes.
Comment: In silico analysis suggests that this missense variant does not alter protein structure/function; Has not been previously published as pathogenic or benign to our knowledge

Mayo Clinic Laboratories, Mayo Clinic
Classification: Uncertain significance. Last evaluated: 2024-02-29. Review status: criteria provided, single submitter. Criteria: ACMG Guidelines, 2015. Collection method: clinical testing. Allele origin: germline. Observed: 1 variant allele.
Comment: BP4, PM2_moderate

Illumina Laboratory Services, Illumina
Classification: Uncertain significance for Multiple mitochondrial dysfunctions syndrome 2. Last evaluated: 2018-01-13. Review status: criteria provided, single submitter. Criteria: ICSL Variant Classification Criteria 13 December 2019. Collection method: clinical testing. Allele origin: germline.

PreventionGenetics, part of Exact Sciences
Classification: Likely benign for BOLA3-related condition. Last evaluated: 2020-02-12. Review status: no assertion criteria provided. Collection method: clinical testing. Allele origin: germline. Not counted in ClinVar's aggregate classification.
Comment: This variant is classified as likely benign based on ACMG/AMP sequence variant interpretation guidelines (Richards et al. 2015 PMID: 25741868, with internal and published modifications).